The following is an entry in ClinVar:

ClinVar aggregate classification (germline): Uncertain significance (1 of 4 stars; one submission).

gnomAD v4.1: 7 of 1,614,084 alleles (0.00043%); highest among the groups gnomAD compares: Admixed American, 0.005%; no homozygotes.

Submission:

Labcorp Genetics (formerly Invitae), Labcorp
Classification: Uncertain significance. Last evaluated: 2023-08-04. Review status: criteria provided, single submitter. Criteria: Invitae Variant Classification Sherloc (09022015). Collection method: clinical testing. Allele origin: germline.
Comment: In summary, the available evidence is currently insufficient to determine the role of this variant in disease. Therefore, it has been classified as a Variant of Uncertain Significance. An algorithm developed to predict the effect of missense changes on protein structure and function (PolyPhen-2) suggests that this variant is likely to be disruptive. ClinVar contains an entry for this variant (Variation ID: 2128377). This variant has not been reported in the literature in individuals affected with TMPRSS15-related conditions. This variant is present in population databases (rs372571410, gnomAD 0.009%). This sequence change replaces alanine, which is neutral and non-polar, with serine, which is neutral and polar, at codon 812 of the TMPRSS15 protein (p.Ala812Ser).

NM_002772.3(TMPRSS15):c.2434G>T (p.Ala812Ser)

Gene: TMPRSS15 (transmembrane serine protease 15; minus strand). Cytogenetic location: 21q21.1.
Variant type: single nucleotide variant.
Coding change: c.2434G>T on transcript NM_002772.3 (MANE Select); coding-DNA position 2434, G replaced by T.
Protein change: p.Ala812Ser; replaces alanine 812 with serine.
Molecular consequence: missense variant.
Genome position (GRCh38, 1-based): chr21:18,294,322, C>A on the plus strand (G>T on the coding strand, the complement: TMPRSS15 is on the minus strand). VCF-style: chr21-18294322-C-A. GRCh37 (hg19) VCF-style: chr21-19666639-C-A.
Other names: short protein forms A812S.
Identifiers: ClinVar variation 2128377 (VCV002128377.4), dbSNP rs372571410, ClinGen allele CA9984056.